The following is an entry in ClinVar:

ClinVar aggregate classification (germline): Uncertain significance. Review status: criteria provided, multiple submitters, no conflicts (2 of 4 stars). 2 submissions from 2 submitters: Uncertain significance (2). Last evaluated 2025-03-18.

Conditions:
Hereditary cancer-predisposing syndrome. Also called: Neoplastic Syndromes, Hereditary; Hereditary Cancer Syndrome; Tumor predisposition; Hereditary neoplastic syndrome. Identifiers: Orphanet 140162, MedGen C0027672, MeSH D009386, MONDO:0015356.

Submissions (2):

Ambry Genetics
Classification: Uncertain significance for Hereditary cancer-predisposing syndrome. Last evaluated: 2025-03-18. Review status: criteria provided, single submitter. Criteria: Ambry Variant Classification Scheme 2023. Collection method: clinical testing. Allele origin: germline.
Comment: The p.S7N variant (also known as c.20G>A), located in coding exon 1 of the SMARCB1 gene, results from a G to A substitution at nucleotide position 20. The serine at codon 7 is replaced by asparagine, an amino acid with highly similar properties. This amino acid position is conserved. In addition, this alteration is predicted to be tolerated by in silico analysis. Based on the available evidence, the clinical significance of this variant remains unclear.

Labcorp Genetics (formerly Invitae), Labcorp
Classification: Uncertain significance. Last evaluated: 2023-11-02. Review status: criteria provided, single submitter. Criteria: Invitae Variant Classification Sherloc (09022015). Collection method: clinical testing. Allele origin: germline.
Comment: This sequence change replaces serine, which is neutral and polar, with asparagine, which is neutral and polar, at codon 7 of the SMARCB1 protein (p.Ser7Asn). This variant is not present in population databases (gnomAD no frequency). This variant has not been reported in the literature in individuals affected with SMARCB1-related conditions. ClinVar contains an entry for this variant (Variation ID: 1037645). An algorithm developed to predict the effect of missense changes on protein structure and function (PolyPhen-2) suggests that this variant¬†is likely to be tolerated. In summary, the available evidence is currently insufficient to determine the role of this variant in disease. Therefore, it has been classified as a Variant of Uncertain Significance.

NM_003073.5(SMARCB1):c.20G>A (p.Ser7Asn)

Gene: SMARCB1 (SWI/SNF related BAF chromatin remodeling complex subunit B1; plus strand). Cytogenetic location: 22q11.23.
Variant type: single nucleotide variant.
Coding change: c.20G>A on transcript NM_003073.5 (MANE Select); coding-DNA position 20, G replaced by A.
Protein change: p.Ser7Asn; replaces serine 7 with asparagine.
Molecular consequence: missense variant.
Genome position (GRCh38, 1-based): chr22:23,787,189, G>A. VCF-style: chr22-23787189-G-A. GRCh37 (hg19) VCF-style: chr22-24129376-G-A.
Other names: c.20G>A (NM_003073.3); c.20G>A, p.Ser7Asn (NM_001007468.3, NM_001317946.2, NM_001362877.2); short protein forms S7N.
Identifiers: ClinVar variation 1037645 (VCV001037645.8), dbSNP rs1928042033, ClinGen allele CA410930495.
Genomic context (GRCh38, chr22:23,787,189, plus strand): 5'-CCCTCGCAGCCCGGCTCCGGCCGCCCGCCTCTGCCGCCGCAATGATGATGATGGCGCTGA[G>A]CAAGACCTTCGGGCAGAAGCCCGTGAAGTTCCAGCTGGAGGACGACGGCGAGTTCTACAT-3'
Protein context (NP_003064.2, residues 1-17): MMMMAL[Ser7Asn]KTFGQKPVKF